The following is an entry in ClinVar:

NM_020975.6(RET):c.479T>G (p.Leu160Arg)

Gene: RET (ret proto-oncogene; plus strand). Cytogenetic location: 10q11.21.
Variant type: single nucleotide variant.
Coding change: c.479T>G on transcript NM_020975.6 (MANE Select); coding-DNA position 479, T replaced by G.
Protein change: p.Leu160Arg; replaces leucine 160 with arginine.
Molecular consequence: missense variant. On other transcripts: intron variant (15).
Genome position (GRCh38, 1-based): chr10:43,102,483, T>G. VCF-style: chr10-43102483-T-G. GRCh37 (hg19) VCF-style: chr10-43597931-T-G.
Other names: c.479T>G, p.Leu160Arg (NM_001406743.1, NM_001406744.1, NM_001406759.1 and 14 more transcripts); c.350T>G, p.Leu117Arg (NM_001406761.1, NM_001406762.1, NM_001406764.1 and 4 more transcripts); c.337+1761T>G (NM_001406770.1, NM_001406766.1, NM_001406767.1 and 8 more transcripts); c.74-6548T>G (NM_001406784.1); c.74-9616T>G (NM_001406794.1, NM_001406792.1, NM_001406793.1); short protein forms L117R, L160R.
Identifiers: ClinVar variation 3788305 (VCV003788305.1).
Genomic context (GRCh38, chr10:43,102,483, plus strand): 5'-CAGGCTGTGCCCGCGTATACTTCTCCTTCTTCAACACCTCCTTTCCAGCCTGCAGCTCCC[T>G]CAAGCCCCGGGAGCTCTGCTTCCCAGAGACAAGGCCCTCCTTCCGCATTCGGGAGAACCG-3'
Protein context (NP_066124.1, residues 150-170): FNTSFPACSS[Leu160Arg]KPRELCFPET

ClinVar aggregate classification (germline): Uncertain significance (1 of 4 stars; one submission).

Conditions:
Hereditary cancer-predisposing syndrome. Also called: Neoplastic Syndromes, Hereditary; Hereditary Cancer Syndrome; Tumor predisposition; Hereditary neoplastic syndrome. Identifiers: Orphanet 140162, MedGen C0027672, MeSH D009386, MONDO:0015356.

Submission:

Ambry Genetics
Classification: Uncertain significance for Hereditary cancer-predisposing syndrome. Last evaluated: 2024-12-14. Review status: criteria provided, single submitter. Criteria: Ambry Variant Classification Scheme 2023. Collection method: clinical testing. Allele origin: germline.
Comment: The p.L160R variant (also known as c.479T>G), located in coding exon 3 of the RET gene, results from a T to G substitution at nucleotide position 479. The leucine at codon 160 is replaced by arginine, an amino acid with dissimilar properties. This amino acid position is conserved. In addition, the in silico prediction for this alteration is inconclusive. Based on the available evidence, the clinical significance of this variant remains unclear.